The following is an entry in ClinVar:

ClinVar aggregate classification (germline): Uncertain significance (0 of 4 stars; one submission).

Allele frequency attached by ClinVar (database versions not stated): gnomAD 0.00001.
gnomAD v4.1: 16 of 1,613,506 alleles (0.00099%); highest among the groups gnomAD compares: South Asian, 0.016%; no homozygotes.

Submission:

Department of Pathology and Laboratory Medicine, Sinai Health System
Classification: Uncertain significance. Review status: no assertion criteria provided. Collection method: clinical testing. Allele origin: unknown. Affected: yes. Study: The Canadian Open Genetics Repository (COGR).
Comment: The ERCC4 p.E615D variant was not identified in the literature nor was it identified in ClinVar or COSMIC. However, the variant was identified in dbSNP (ID: rs774347057) and in control databases in 3 of 251390 chromosomes at a frequency of 0.00001193 (Genome Aggregation Database March 6, 2019, v2.1.1). The p.E615 residue is conserved in mammals and computational analyses (MUT Assesor, PolyPhen-2, SIFT, MutationTaster, Revel, FATHMM, MetaLR, DANN) provide inconsistent predictions regarding the impact to the protein; this information is not very predictive of pathogenicity. The variant occurs outside of the splicing consensus sequence and in silico or computational prediction software programs (Splice AI exome) do not predict a deleterious effect on splicing. In summary, based on the above information the clinical significance of this variant cannot be determined with certainty at this time. This variant is classified as a variant of uncertain significance.

NM_005236.3(ERCC4):c.1845G>C (p.Glu615Asp)

Gene: ERCC4 (ERCC excision repair 4, endonuclease catalytic subunit; plus strand). Cytogenetic location: 16p13.12.
Variant type: single nucleotide variant.
Coding change: c.1845G>C on transcript NM_005236.3 (MANE Select); coding-DNA position 1845, G replaced by C.
Protein change: p.Glu615Asp; replaces glutamic acid 615 with aspartic acid.
Molecular consequence: missense variant.
Genome position (GRCh38, 1-based): chr16:13,937,799, G>C. VCF-style: chr16-13937799-G-C. GRCh37 (hg19) VCF-style: chr16-14031656-G-C.
Other names: short protein forms E615D.
Identifiers: ClinVar variation 1049927 (VCV001049927.1), dbSNP rs774347057, ClinGen allele CA7910570.